The following is an entry in ClinVar:

ClinVar aggregate classification (germline): Likely benign. Review status: criteria provided, single submitter (1 of 4 stars). 3 submissions from 3 submitters: Likely benign (1). 2 of the submissions do not count toward it. Last evaluated 2023-12-04.

Conditions:
Hereditary fructosuria. Also called: ALDOB DEFICIENCY; ALDOLASE B DEFICIENCY; FRUCTOSE-1,6-BISPHOSPHATE ALDOLASE B DEFICIENCY; FRUCTOSE-1-PHOSPHATE ALDOLASE DEFICIENCY; FRUCTOSEMIA; Fructose intolerance. Identifiers: Orphanet 469, MedGen C0016751, MONDO:0009249, OMIM 229600, HP:0005973. Disease mechanism: loss of function.
ALDOB-related disorder. Also called: ALDOB-related condition.

Allele frequency attached by ClinVar (database versions not stated): gnomAD 0.00003; TOPMed 0.00003.

Submissions (3):

Labcorp Genetics (formerly Invitae), Labcorp
Classification: Likely benign for Hereditary fructosuria. Last evaluated: 2023-12-04. Review status: criteria provided, single submitter. Criteria: Invitae Variant Classification Sherloc (09022015). Collection method: clinical testing. Allele origin: germline.

PreventionGenetics, part of Exact Sciences
Classification: Likely benign for ALDOB-related condition. Last evaluated: 2024-06-06. Review status: no assertion criteria provided. Collection method: clinical testing. Allele origin: germline. Not counted in ClinVar's aggregate classification.
Comment: This variant is classified as likely benign based on ACMG/AMP sequence variant interpretation guidelines (Richards et al. 2015 PMID: 25741868, with internal and published modifications).

Natera, Inc.
Classification: Likely benign for Fructose intolerance. Last evaluated: 2021-03-02. Review status: no assertion criteria provided. Collection method: clinical testing. Allele origin: germline. Not counted in ClinVar's aggregate classification.

NM_000035.4(ALDOB):c.507C>T (p.Asn169=)

Gene: ALDOB (aldolase, fructose-bisphosphate B; minus strand). Cytogenetic location: 9q31.1.
Variant type: single nucleotide variant.
Coding change: c.507C>T on transcript NM_000035.4 (MANE Select); coding-DNA position 507, C replaced by T.
Protein change: p.Asn169=; no amino-acid change (asparagine 169 retained).
Molecular consequence: synonymous variant.
Genome position (GRCh38, 1-based): chr9:101,427,515, G>A on the plus strand (C>T on the coding strand, the complement: ALDOB is on the minus strand). VCF-style: chr9-101427515-G-A. GRCh37 (hg19) VCF-style: chr9-104189797-G-A.
Identifiers: ClinVar variation 722673 (VCV000722673.15), dbSNP rs746351347, ClinGen allele CA5161581.